The following is an entry in ClinVar:

NM_006662.3(SRCAP):c.9044C>A (p.Pro3015Gln)

Gene: SRCAP (Snf2 related CREBBP activator protein; plus strand). Cytogenetic location: 16p11.2.
Variant type: single nucleotide variant.
Coding change: c.9044C>A on transcript NM_006662.3 (MANE Select); coding-DNA position 9044, C replaced by A.
Protein change: p.Pro3015Gln; replaces proline 3015 with glutamine.
Molecular consequence: missense variant.
Genome position (GRCh38, 1-based): chr16:30,739,084, C>A. VCF-style: chr16-30739084-C-A. GRCh37 (hg19) VCF-style: chr16-30750405-C-A.
Other names: short protein forms P3015Q.
Identifiers: ClinVar variation 4743470 (VCV004743470.1).
Genomic context (GRCh38, chr16:30,739,084, plus strand): 5'-CTGTCACCATTTCAACGTCCCCACCCAAACGGAAGAGGGGCCGACCTCCCAAGAATCCTC[C>A]ATCACCTCGGCCCAGCCAGCTCCCCGTCTTGGACCGTGACAGCACTTCTGTTCTCGAGAG-3'
Protein context (NP_006653.2, residues 3005-3025): RKRGRPPKNP[Pro3015Gln]SPRPSQLPVL

ClinVar aggregate classification (germline): Uncertain significance (1 of 4 stars; one submission).

Submission:

Labcorp Genetics (formerly Invitae), Labcorp
Classification: Uncertain significance. Last evaluated: 2025-10-19. Review status: criteria provided, single submitter. Criteria: Invitae Variant Classification Sherloc (09022015). Collection method: clinical testing. Allele origin: germline.
Comment: This sequence change replaces proline, which is neutral and non-polar, with glutamine, which is neutral and polar, at codon 3015 of the SRCAP protein (p.Pro3015Gln). This variant is not present in population databases (gnomAD no frequency). This variant has not been reported in the literature in individuals affected with SRCAP-related conditions. Invitae Evidence Modeling of protein sequence and biophysical properties (such as structural, functional, and spatial information, amino acid conservation, physicochemical variation, residue mobility, and thermodynamic stability) indicates that this missense variant is not expected to disrupt SRCAP protein function with a negative predictive value of 80%. In summary, the available evidence is currently insufficient to determine the role of this variant in disease. Therefore, it has been classified as a Variant of Uncertain Significance.